The following is an entry in ClinVar:

ClinVar aggregate classification (germline): Uncertain significance. Review status: criteria provided, multiple submitters, no conflicts (2 of 4 stars). 2 submissions from 2 submitters: Uncertain significance (2). Last evaluated 2024-11-20.

Conditions:
Koolen-de Vries syndrome (KDVS). Identifiers: Orphanet 96169, MedGen C1864871, MONDO:0012496, OMIM 610443.
Inborn genetic diseases. Identifiers: MedGen C0950123, MeSH D030342.

Allele frequency attached by ClinVar (database versions not stated): gnomAD exomes below 0.00001; TOPMed below 0.00001; ExAC 0.00001.
gnomAD v4.1: 1 of 1,614,176 alleles (0.000062%); highest among the groups gnomAD compares: African/African-American, 0.0013%; no homozygotes.

Submissions (2):

Ambry Genetics
Classification: Uncertain significance for Inborn genetic diseases. Last evaluated: 2024-11-20. Review status: criteria provided, single submitter. Criteria: Ambry Variant Classification Scheme 2023. Collection method: clinical testing. Allele origin: germline.

Labcorp Genetics (formerly Invitae), Labcorp
Classification: Uncertain significance for Koolen-de Vries syndrome. Last evaluated: 2023-02-04. Review status: criteria provided, single submitter. Criteria: Invitae Variant Classification Sherloc (09022015). Collection method: clinical testing. Allele origin: germline.
Comment: In summary, the available evidence is currently insufficient to determine the role of this variant in disease. Therefore, it has been classified as a Variant of Uncertain Significance. Advanced modeling of protein sequence and biophysical properties (such as structural, functional, and spatial information, amino acid conservation, physicochemical variation, residue mobility, and thermodynamic stability) performed at Invitae indicates that this missense variant is not expected to disrupt KANSL1 protein function. ClinVar contains an entry for this variant (Variation ID: 536300). This variant has not been reported in the literature in individuals affected with KANSL1-related conditions. This variant is present in population databases (rs759587635, gnomAD 0.007%). This sequence change replaces histidine, which is basic and polar, with tyrosine, which is neutral and polar, at codon 572 of the KANSL1 protein (p.His572Tyr).

NM_015443.4(KANSL1):c.1714C>T (p.His572Tyr)

Gene: KANSL1 (KAT8 regulatory NSL complex subunit 1). Cytogenetic location: 17q21.31.
Variant type: single nucleotide variant.
Coding change: c.1714C>T on transcript NM_015443.4 (MANE Select); coding-DNA position 1714, C replaced by T.
Protein change: p.His572Tyr; replaces histidine 572 with tyrosine.
Molecular consequence: missense variant.
Genome position (GRCh38, 1-based): chr17:46,066,671, G>A on the plus strand (C>T on the coding strand, the complement: KANSL1 is on the minus strand). VCF-style: chr17-46066671-G-A. GRCh37 (hg19) VCF-style: chr17-44144037-G-A.
Other names: c.1714C>T, p.His572Tyr (NM_001193465.2, NM_001193466.2, NM_001379198.1); short protein forms H572Y.
Identifiers: ClinVar variation 536300 (VCV000536300.9), dbSNP rs759587635, ClinGen allele CA8618740.